The following is an entry in ClinVar:

ClinVar aggregate classification (germline): Likely pathogenic (1 of 4 stars; one submission).

Submission:

Labcorp Genetics (formerly Invitae), Labcorp
Classification: Likely pathogenic. Last evaluated: 2022-11-08. Review status: criteria provided, single submitter. Criteria: Invitae Variant Classification Sherloc (09022015). Collection method: clinical testing. Allele origin: germline.
Comment: In summary, the currently available evidence indicates that the variant is pathogenic, but additional data are needed to prove that conclusively. Therefore, this variant has been classified as Likely Pathogenic. Algorithms developed to predict the effect of sequence changes on RNA splicing suggest that this variant may disrupt the consensus splice site. ClinVar contains an entry for this variant (Variation ID: 1066171). This variant has not been reported in the literature in individuals affected with NBAS-related conditions. This variant is not present in population databases (gnomAD no frequency). This sequence change affects an acceptor splice site in intron 34 of the NBAS gene. It is expected to disrupt RNA splicing. Variants that disrupt the donor or acceptor splice site typically lead to a loss of protein function (PMID: 16199547), and loss-of-function variants in NBAS are known to be pathogenic (PMID: 26073778, 26541327, 27789416, 28031453).

Literature cited by the submitters: PubMed 16199547; PubMed 26073778; PubMed 26541327; PubMed 27789416; PubMed 28031453.

NM_015909.4(NBAS):c.4090-1G>A

Gene: NBAS (NBAS subunit of NRZ tethering complex; minus strand). Cytogenetic location: 2p24.3.
Variant type: single nucleotide variant.
Coding change: c.4090-1G>A on transcript NM_015909.4 (MANE Select); the canonical splice acceptor site of the intron before coding-DNA position 4090, G replaced by A.
Molecular consequence: splice acceptor variant.
Genome position (GRCh38, 1-based): chr2:15,352,082, C>T on the plus strand (G>A on the coding strand, the complement: NBAS is on the minus strand). VCF-style: chr2-15352082-C-T. GRCh37 (hg19) VCF-style: chr2-15492206-C-T.
Identifiers: ClinVar variation 1066171 (VCV001066171.7), dbSNP rs2148298982, ClinGen allele CA345888220.
Genomic context (GRCh38, chr2:15,352,082, plus strand): 5'-AGCACTGATATTTTCCCCTCCTTCATGATGGATCTGGAAATTCACTCTTTGATAAAGAAT[C>T]TAAAACAAGAATAGGCTATATTGTAAAGGAGTTACGTTTTTAAATTTGCTTCTCATCACA-3'